The following is an entry in ClinVar:

ClinVar aggregate classification (germline): Pathogenic (1 of 4 stars; one submission).

Conditions:
Sotos syndrome (SOTOS). Also called: CEREBRAL GIGANTISM; Sotos' syndrome; Distinctive facial appearance, overgrowth in childhood, and learning disabilities or delayed development; CHROMOSOME 5q35 DELETION SYNDROME; SOTOS SYNDROME 1. Identifiers: Orphanet 821, MedGen C0175695, MONDO:0019349, OMIM 117550.

Submission:

MVZ Medizinische Genetik Mainz
Classification: Pathogenic for Sotos syndrome. Last evaluated: 2024-12-18. Review status: criteria provided, single submitter. Criteria: UK Practice Guidelines For Variant Classification V4 01 2020. Collection method: clinical testing. Allele origin: germline. Inheritance: Autosomal dominant inheritance. Affected: yes. Observed: 1 variant allele.
Comment: ACMG Criteria: PS2,PM1,PM5,PP3_MOD,PM2_SUP

NM_022455.5(NSD1):c.6014G>C (p.Arg2005Pro)

Gene: NSD1 (nuclear receptor binding SET domain protein 1; plus strand). Cytogenetic location: 5q35.3.
Variant type: single nucleotide variant.
Coding change: c.6014G>C on transcript NM_022455.5 (MANE Select); coding-DNA position 6014, G replaced by C.
Protein change: p.Arg2005Pro; replaces arginine 2005 with proline.
Molecular consequence: missense variant. On other transcripts: intron variant (1).
Genome position (GRCh38, 1-based): chr5:177,283,791, G>C. VCF-style: chr5-177283791-G-C. GRCh37 (hg19) VCF-style: chr5-176710792-G-C.
Other names: c.5141G>C, p.Arg1714Pro (NM_001365684.2, NM_001409308.1, NM_172349.5); c.6014G>C, p.Arg2005Pro (NM_001409301.1, NM_001409302.1, NM_001409303.1); c.5594G>C, p.Arg1865Pro (NM_001409304.1); c.5261G>C, p.Arg1754Pro (NM_001409305.1); c.5252G>C, p.Arg1751Pro (NM_001409306.1, NM_001409307.1); c.5136+1210G>C (NM_001409309.1); short protein forms R1714P, R1751P, R1754P, R1865P, R2005P.
Identifiers: ClinVar variation 3601979 (VCV003601979.1).
Genomic context (GRCh38, chr5:177,283,791, plus strand): 5'-TAATCCACAGCAGAGGTCTCAGGAAGTCTGATGTGTAGCTTCTTTTGGAATTCTAGGACC[G>C]AATCATTGATGCTGGTCCCAAAGGAAACTATGCTCGGTTCATGAATCATTGCTGCCAGCC-3'
Protein context (NP_071900.2, residues 1995-2015): NFYMLTLDKD[Arg2005Pro]IIDAGPKGNY